The following is an entry in ClinVar:

NM_016203.4(PRKAG2):c.1484C>T (p.Thr495Ile)

Gene: PRKAG2 (protein kinase AMP-activated non-catalytic subunit gamma 2; minus strand). Cytogenetic location: 7q36.1.
Variant type: single nucleotide variant.
Coding change: c.1484C>T on transcript NM_016203.4 (MANE Select); coding-DNA position 1484, C replaced by T.
Protein change: p.Thr495Ile; replaces threonine 495 with isoleucine.
Molecular consequence: missense variant.
Genome position (GRCh38, 1-based): chr7:151,564,178, G>A on the plus strand (C>T on the coding strand, the complement: PRKAG2 is on the minus strand). VCF-style: chr7-151564178-G-A. GRCh37 (hg19) VCF-style: chr7-151261264-G-A.
Other names: c.761C>T, p.Thr254Ile (NM_001407035.1, NM_024429.2, NM_001407034.1 and 1 more transcripts); c.758C>T, p.Thr253Ile (NM_001407036.1, NM_001407039.1, NM_001407040.1); c.821C>T, p.Thr274Ile (NM_001407037.1); c.809C>T, p.Thr270Ile (NM_001407038.1); c.1352C>T, p.Thr451Ile (NM_001407024.1, NM_001040633.2); c.1349C>T, p.Thr450Ile (NM_001407026.1, NM_001407027.1); c.1112C>T, p.Thr371Ile (NM_001407028.1, NM_001363698.2); c.1109C>T, p.Thr370Ile (NM_001407029.1, NM_001304527.2); and 7 more; short protein forms T270I, T370I, T387I, T451I, T371I, T253I, T274I, T450I.
Identifiers: ClinVar variation 4762695 (VCV004762695.2).

ClinVar aggregate classification (germline): Uncertain significance. Review status: criteria provided, multiple submitters, no conflicts (2 of 4 stars). 2 submissions from 2 submitters: Uncertain significance (2). Last evaluated 2026-02-20.

Conditions:
Lethal congenital glycogen storage disease of heart. Also called: PHOSPHORYLASE KINASE DEFICIENCY OF HEART; GLYCOGEN STORAGE DISEASE OF HEART. Identifiers: Orphanet 439854, MedGen C1849813, MONDO:0009867, OMIM 261740.

Submissions (2):

GeneDx
Classification: Uncertain significance. Last evaluated: 2026-02-20. Review status: criteria provided, single submitter. Criteria: GeneDx Variant Classification Process June 2021. Collection method: clinical testing. Allele origin: germline.
Comment: Not observed at significant frequency in large population cohorts (gnomAD); In silico analysis supports that this missense variant has a deleterious effect on protein structure/function; Has not been previously published as pathogenic or benign to our knowledge

Labcorp Genetics (formerly Invitae), Labcorp
Classification: Uncertain significance for Lethal congenital glycogen storage disease of heart. Last evaluated: 2025-05-11. Review status: criteria provided, single submitter. Criteria: Invitae Variant Classification Sherloc (09022015). Collection method: clinical testing. Allele origin: germline.
Comment: This sequence change replaces threonine, which is neutral and polar, with isoleucine, which is neutral and non-polar, at codon 495 of the PRKAG2 protein (p.Thr495Ile). This variant is not present in population databases (gnomAD no frequency). This variant has not been reported in the literature in individuals affected with PRKAG2-related conditions. Invitae Evidence Modeling of protein sequence and biophysical properties (such as structural, functional, and spatial information, amino acid conservation, physicochemical variation, residue mobility, and thermodynamic stability) indicates that this missense variant is not expected to disrupt PRKAG2 protein function with a negative predictive value of 95%. In summary, the available evidence is currently insufficient to determine the role of this variant in disease. Therefore, it has been classified as a Variant of Uncertain Significance.